The following is an entry in ClinVar:

ClinVar aggregate classification (germline): Uncertain significance. Review status: criteria provided, multiple submitters, no conflicts (2 of 4 stars). 4 submissions from 4 submitters: Uncertain significance (3). 1 of the submissions does not count toward it. Last evaluated 2026-08-31.

Conditions:
Bifunctional peroxisomal enzyme deficiency (DBIF). Also called: DBP DEFICIENCY; PBFE DEFICIENCY; D-bifunctional protein deficiency. Identifiers: Orphanet 300, MedGen C0342870, MONDO:0009855, OMIM 261515. Disease mechanism: loss of function.
Perrault syndrome. Also called: Gonadal dysgenesis with auditory dysfunction, autosomal recessive inheritance. Identifiers: Orphanet 2855, MedGen C0685838, MONDO:0017312.
Inborn genetic diseases. Identifiers: MedGen C0950123, MeSH D030342.

Allele frequency attached by ClinVar (database versions not stated): ExAC 0.00001; gnomAD exomes 0.00001; TOPMed 0.00002.
gnomAD v4.1: 7 of 1,602,732 alleles (0.00044%); highest among the groups gnomAD compares: Admixed American, 0.0067%; no homozygotes.

Submissions (4):

Ambry Genetics
Classification: Uncertain significance for Inborn genetic diseases. Last evaluated: 2026-08-31. Review status: criteria provided, single submitter. Criteria: Ambry Variant Classification Scheme 2023. Collection method: clinical testing. Allele origin: germline.
Comment: The c.1700T>C (p.V567A) alteration is located in exon 20 (coding exon 20) of the HSD17B4 gene. This alteration results from a T to C substitution at nucleotide position 1700, causing the valine (V) at amino acid position 567 to be replaced by an alanine (A). Based on data from gnomAD, the C allele has an overall frequency of 0.001% (3/251004) total alleles studied. The highest observed frequency was 0.009% (3/34458) of Latino alleles. This amino acid position is highly conserved in available vertebrate species. This alteration is predicted to be deleterious by in silico analysis. Based on insufficient or conflicting evidence, the clinical significance of this alteration remains unclear.

GeneDx
Classification: Uncertain significance. Last evaluated: 2025-02-02. Review status: criteria provided, single submitter. Criteria: GeneDx Variant Classification Process June 2021. Collection method: clinical testing. Allele origin: germline. Affected: yes.
Comment: Not observed at significant frequency in large population cohorts (gnomAD); In silico analysis supports that this missense variant has a deleterious effect on protein structure/function; Has not been previously published as pathogenic or benign to our knowledge

Labcorp Genetics (formerly Invitae), Labcorp
Classification: Uncertain significance for Perrault syndrome; Bifunctional peroxisomal enzyme deficiency. Last evaluated: 2022-12-28. Review status: criteria provided, single submitter. Criteria: Invitae Variant Classification Sherloc (09022015). Collection method: clinical testing. Allele origin: germline.
Comment: In summary, the available evidence is currently insufficient to determine the role of this variant in disease. Therefore, it has been classified as a Variant of Uncertain Significance. Advanced modeling of protein sequence and biophysical properties (such as structural, functional, and spatial information, amino acid conservation, physicochemical variation, residue mobility, and thermodynamic stability) performed at Invitae indicates that this missense variant is expected to disrupt HSD17B4 protein function. ClinVar contains an entry for this variant (Variation ID: 642085). This variant has not been reported in the literature in individuals affected with HSD17B4-related conditions. This variant is present in population databases (rs763390035, gnomAD 0.006%). This sequence change replaces valine, which is neutral and non-polar, with alanine, which is neutral and non-polar, at codon 567 of the HSD17B4 protein (p.Val567Ala).

Natera, Inc.
Classification: Uncertain significance for Bifunctional peroxisomal enzyme deficiency. Last evaluated: 2020-09-16. Review status: no assertion criteria provided. Collection method: clinical testing. Allele origin: germline. Not counted in ClinVar's aggregate classification.

NM_000414.4(HSD17B4):c.1700T>C (p.Val567Ala)

Gene: HSD17B4 (hydroxysteroid 17-beta dehydrogenase 4; plus strand). Cytogenetic location: 5q23.1.
Variant type: single nucleotide variant.
Coding change: c.1700T>C on transcript NM_000414.4 (MANE Select); coding-DNA position 1700, T replaced by C.
Protein change: p.Val567Ala; replaces valine 567 with alanine.
Molecular consequence: missense variant.
Genome position (GRCh38, 1-based): chr5:119,527,152, T>C. VCF-style: chr5-119527152-T-C. GRCh37 (hg19) VCF-style: chr5-118862847-T-C.
Other names: c.1775T>C, p.Val592Ala (NM_001199291.3); c.1646T>C, p.Val549Ala (NM_001199292.2); c.1628T>C, p.Val543Ala (NM_001292027.2); c.1280T>C, p.Val427Ala (NM_001292028.2); short protein forms V543A, V567A, V427A, V549A, V592A.
Identifiers: ClinVar variation 642085 (VCV000642085.10), dbSNP rs763390035, ClinGen allele CA3382370.